The following is an entry in ClinVar:

ClinVar aggregate classification (germline): Likely pathogenic (1 of 4 stars; one submission).

Conditions:
POMC-related disorder. Also called: POMC-related disorders; POMC-related condition.

Submission:

PreventionGenetics, part of Exact Sciences
Classification: Likely pathogenic for POMC-related condition. Last evaluated: 2026-08-11. Review status: criteria provided, single submitter. Criteria: ACMG Guidelines, 2015. Collection method: clinical testing. Allele origin: germline.
Comment: The POMC c.303delG variant is predicted to result in a frameshift and premature protein termination (p.Gln102Argfs*56). To our knowledge, this variant has not been reported in the literature. This variant is reported in 0.013% of alleles in individuals of African descent in gnomAD. Frameshift variants in POMC are expected to be pathogenic. This variant is interpreted as likely pathogenic.

NM_000939.4(POMC):c.303del (p.Gln102fs)

Gene: POMC (proopiomelanocortin; minus strand). Cytogenetic location: 2p23.3.
Variant type: Deletion.
Coding change: c.303del on transcript NM_000939.4 (MANE Select); coding-DNA position 303, one base deleted (G; older notation c.303delG).
Protein change: p.Gln102fs; shifts the reading frame from glutamine 102.
Molecular consequence: frameshift variant.
Genome position (GRCh38, 1-based): chr2:25,161,582, C deleted on the plus strand (G on the coding strand, the reverse complement: POMC is on the minus strand); the first of 3 consecutive C bases (chr2:25,161,582-25,161,584); deleting any one gives the same sequence. VCF-style (leftmost placement, unchanged base first): chr2-25161581-GC-G. GRCh37 (hg19) VCF-style: chr2-25384450-GC-G.
Other names: c.303del, p.Gln102fs (NM_001035256.3, NM_001319204.2, NM_001319205.2); short protein forms Q102fs.
Identifiers: ClinVar variation 5001092 (VCV005001092.1).